The following is an entry in ClinVar:

NM_000090.4(COL3A1):c.3433A>G (p.Ser1145Gly)

Gene: COL3A1 (collagen type III alpha 1 chain; plus strand). Cytogenetic location: 2q32.2.
Variant type: single nucleotide variant.
Coding change: c.3433A>G on transcript NM_000090.4 (MANE Select); coding-DNA position 3433, A replaced by G.
Protein change: p.Ser1145Gly; replaces serine 1145 with glycine.
Molecular consequence: missense variant.
Genome position (GRCh38, 1-based): chr2:189,008,050, A>G. VCF-style: chr2-189008050-A-G. GRCh37 (hg19) VCF-style: chr2-189872776-A-G.
Other names: short protein forms S1145G.
Identifiers: ClinVar variation 1329080 (VCV001329080.6), dbSNP rs147706051, ClinGen allele CA076126.

ClinVar aggregate classification (germline): Conflicting classifications of pathogenicity. Review status: criteria provided, conflicting classifications (1 of 4 stars). 3 submissions from 3 submitters: Uncertain significance (2); Likely benign (1). Last evaluated 2025-12-03.

Conditions:
Ehlers-Danlos syndrome, type 4 (EDSVASC). Also called: Ehlers-Danlos syndrome vascular type; Ehlers Danlos syndrome, ecchymotic type; Ehlers Danlos syndrome, arterial type; Ehlers Danlos syndrome, Sack-Barabas type; Ehlers-Danlos Syndrome Type IV. Identifiers: Orphanet 286, MedGen C0268338, MONDO:0017314, OMIM 130050.
Familial thoracic aortic aneurysm and aortic dissection (TAAD). Also called: Thoracic aortic aneurysms and dissections. Identifiers: Orphanet 91387, MedGen C4707243, MONDO:0019625.

Allele frequency attached by ClinVar (database versions not stated): gnomAD exomes below 0.00001 and 0.00001; ExAC 0.00002; gnomAD 0.00003 and 0.00004; TOPMed 0.00003; ESP Exome Variant Server 0.00008.
gnomAD v4.1: 5 of 1,614,004 alleles (0.00031%); highest among the groups gnomAD compares: African/African-American, 0.0067%; no homozygotes.

Submissions (3):

Women's Health and Genetics/Laboratory Corporation of America, LabCorp
Classification: Uncertain significance. Last evaluated: 2025-12-03. Review status: criteria provided, single submitter. Criteria: LabCorp Variant Classification Summary - May 2015. Collection method: clinical testing. Allele origin: germline.
Comment: Variant summary: COL3A1 c.3433A>G (p.Ser1145Gly) results in a non-conservative amino acid change located in the collagen triple helix repeat (IPR008160) of the encoded protein sequence. Algorithms developed to predict the effect of missense changes on protein structure and function are either unavailable or do not agree on the potential impact of this missense change. The variant allele was found at a frequency of 1.2e-05 in 251038 control chromosomes (gnomAD). The available data on variant occurrences in the general population are insufficient to allow any conclusion about variant significance. To our knowledge, no occurrence of c.3433A>G in individuals affected with COL3A1-related conditions and no experimental evidence demonstrating its impact on protein function have been reported. ClinVar contains an entry for this variant (Variation ID: 1329080). Based on the evidence outlined above, the variant was classified as uncertain significance.

All of Us Research Program, National Institutes of Health
Classification: Uncertain significance for Ehlers-Danlos syndrome, type 4. Last evaluated: 2023-09-17. Review status: criteria provided, single submitter. Criteria: ACMG Guidelines, 2015. Collection method: clinical testing. Allele origin: germline. Inheritance: Autosomal dominant inheritance. Observed: 2 variant alleles, 2 heterozygotes.
Comment: This missense variant replaces serine with glycine at codon 1145 of the COL3A1 protein. Computational prediction suggests that this variant may not impact protein structure and function (internally defined REVEL score threshold <= 0.5, PMID: 27666373). To our knowledge, functional studies have not been reported for this variant. This variant has not been reported in individuals affected with COL3A1-related disorders in the literature. This variant has been identified in 4/282446 chromosomes in the general population by the Genome Aggregation Database (gnomAD). The available evidence is insufficient to determine the role of this variant in disease conclusively. Therefore, this variant is classified as a Variant of Uncertain Significance.

This study involves interpretation of variants in research participants for the purpose of population health screening. Participant phenotype was not available at the time of variant classification. Additional details can be found in publication PMID: 35346344, PMCID: PMC8962531

Ambry Genetics
Classification: Likely benign for Familial thoracic aortic aneurysm and aortic dissection. Last evaluated: 2023-01-09. Review status: criteria provided, single submitter. Criteria: Ambry Variant Classification Scheme 2023. Collection method: clinical testing. Allele origin: germline.